The following is an entry in ClinVar:

ClinVar aggregate classification (germline): Likely benign (1 of 4 stars; one submission).

gnomAD v4.1: 17 of 1,211,619 alleles (0.0014%); highest among the groups gnomAD compares: South Asian, 0.026%; 1 homozygote.

Submission:

CeGaT Center for Human Genetics Tuebingen
Classification: Likely benign. Last evaluated: 2025-01-01. Review status: criteria provided, single submitter. Criteria: CeGaT Center For Human Genetics Tuebingen Variant Classification Criteria Version 2. Collection method: clinical testing. Allele origin: germline. Affected: yes. Observed: 1 variant allele.
Comment: ZC3H12B: BP4, BS2

NM_001010888.4(ZC3H12B):c.1538T>G (p.Met513Arg)

Gene: ZC3H12B (zinc finger CCCH-type containing 12B; plus strand). Cytogenetic location: Xq12.
Variant type: single nucleotide variant.
Coding change: c.1538T>G on transcript NM_001010888.4 (MANE Select); coding-DNA position 1538, T replaced by G.
Protein change: p.Met513Arg; replaces methionine 513 with arginine.
Molecular consequence: missense variant.
Genome position (GRCh38, 1-based): chrX:65,502,236, T>G. VCF-style: chrX-65502236-T-G. GRCh37 (hg19) VCF-style: chrX-64722116-T-G.
Other names: short protein forms M513R.
Identifiers: ClinVar variation 3772372 (VCV003772372.13).
Genomic context (GRCh38, chrX:65,502,236, plus strand): 5'-CAGTGCCAGGATCCTCCCATTTCCCCCACCAGAAGGCCTCTTTGGAGCATATGGCCAGCA[T>G]GCAGTATCCTCCCATCTTGGTTACCAACAGCCATGGGACCCCTATTAGCTATGCTGAGCA-3'
Protein context (NP_001010888.3, residues 503-523): QKASLEHMAS[Met513Arg]QYPPILVTNS